The following is an entry in ClinVar:

ClinVar aggregate classification (germline): Uncertain significance (1 of 4 stars; one submission).

Conditions:
Rhabdoid tumor predisposition syndrome 2 (RTPS2). Identifiers: Orphanet 231108, Orphanet 69077, MedGen C2750074, MONDO:0013224, OMIM 613325.

Submission:

Labcorp Genetics (formerly Invitae), Labcorp
Classification: Uncertain significance for Rhabdoid tumor predisposition syndrome 2. Last evaluated: 2022-07-22. Review status: criteria provided, single submitter. Criteria: Invitae Variant Classification Sherloc (09022015). Collection method: clinical testing. Allele origin: germline.
Comment: In summary, the available evidence is currently insufficient to determine the role of this variant in disease. Therefore, it has been classified as a Variant of Uncertain Significance. Algorithms developed to predict the effect of missense changes on protein structure and function (SIFT, PolyPhen-2, Align-GVGD) all suggest that this variant is likely to be tolerated. This variant has not been reported in the literature in individuals affected with SMARCA4-related conditions. This variant is not present in population databases (gnomAD no frequency). This sequence change replaces proline, which is neutral and non-polar, with alanine, which is neutral and non-polar, at codon 195 of the SMARCA4 protein (p.Pro195Ala).

NM_003072.5(SMARCA4):c.583C>G (p.Pro195Ala)

Gene: SMARCA4 (SWI/SNF related BAF chromatin remodeling complex subunit ATPase 4; plus strand). Cytogenetic location: 19p13.2.
Variant type: single nucleotide variant.
Coding change: c.583C>G on transcript NM_003072.5 (MANE Select); coding-DNA position 583, C replaced by G.
Protein change: p.Pro195Ala; replaces proline 195 with alanine.
Molecular consequence: missense variant. On other transcripts: non-coding transcript variant (1).
Genome position (GRCh38, 1-based): chr19:10,986,416, C>G. VCF-style: chr19-10986416-C-G. GRCh37 (hg19) VCF-style: chr19-11097092-C-G.
Other names: c.583C>G, p.Pro195Ala (NM_001128844.3, NM_001128845.2, NM_001128846.2 and 6 more transcripts); short protein forms P195A.
Identifiers: ClinVar variation 1713354 (VCV001713354.5), dbSNP rs1322190597, ClinGen allele CA404056464.